The following is an entry in ClinVar:

NM_004006.3(DMD):c.93+5488T>A

Gene: DMD (dystrophin; minus strand). Cytogenetic location: Xp21.1.
Variant type: single nucleotide variant.
Coding change: c.93+5488T>A on transcript NM_004006.3 (MANE Select); 5488 bases into the intron after coding-DNA position 93, T replaced by A.
Molecular consequence: intron variant.
Genome position (GRCh38, 1-based): chrX:33,014,651, A>T on the plus strand (T>A on the coding strand, the complement: DMD is on the minus strand). VCF-style: chrX-33014651-A-T. GRCh37 (hg19) VCF-style: chrX-33032768-A-T.
Other names: c.69+5488T>A (NM_000109.4); c.81+5488T>A (NM_004009.3); c.-277+5488T>A (NM_004010.3).
Identifiers: ClinVar variation 671392 (VCV000671392.1), dbSNP rs5972733, ClinGen allele CA328596527.

ClinVar aggregate classification (germline): Benign (1 of 4 stars; one submission).

Allele frequency attached by ClinVar (database versions not stated): TOPMed 0.42928; gnomAD 0.43361 and 0.43944; 1000 Genomes Project 30x 0.45765; 1000 Genomes Project 0.46146.
gnomAD v4.1: 48,307 of 109,922 alleles (44%); highest among the groups gnomAD compares: South Asian, 58%; 7,739 homozygotes.

Submission:

GeneDx
Classification: Benign. Last evaluated: 2018-06-15. Review status: criteria provided, single submitter. Criteria: GeneDx Variant Classification (06012015). Collection method: clinical testing. Allele origin: germline. Affected: yes.
Comment: This variant is considered likely benign or benign based on one or more of the following criteria: it is a conservative change, it occurs at a poorly conserved position in the protein, it is predicted to be benign by multiple in silico algorithms, and/or has population frequency not consistent with disease.